The following is an entry in ClinVar:

ClinVar aggregate classification (germline): Uncertain significance. Review status: criteria provided, multiple submitters, no conflicts (2 of 4 stars). 2 submissions from 2 submitters: Uncertain significance (2). Last evaluated 2024-09-24.

Conditions:
Breast-ovarian cancer, familial, susceptibility to, 2 (BROVCA2). Also called: BRCA2 Hereditary Breast and Ovarian Cancer. Identifiers: Orphanet 145, MedGen C2675520, MONDO:0012933, OMIM 612555. Disease mechanism: loss of function.
Hereditary breast ovarian cancer syndrome. Also called: Hereditary breast and ovarian cancer; Breast and ovarian cancer; Hereditary breast and/or ovarian cancer syndrome; BRCA1- and BRCA2-Associated Hereditary Breast and Ovarian Cancer; Hereditary breast and ovarian cancer syndrome; Hereditary breast and ovarian cancer syndrome (HBOC). Identifiers: Orphanet 145, MedGen C0677776, MeSH D061325, MONDO:0003582. Disease mechanism: loss of function.

Submissions (2):

Labcorp Genetics (formerly Invitae), Labcorp
Classification: Uncertain significance for Hereditary breast ovarian cancer syndrome. Last evaluated: 2024-09-24. Review status: criteria provided, single submitter. Criteria: Invitae Variant Classification Sherloc (09022015). Collection method: clinical testing. Allele origin: germline.
Comment: This sequence change replaces glycine, which is neutral and non-polar, with cysteine, which is neutral and slightly polar, at codon 1552 of the BRCA2 protein (p.Gly1552Cys). This variant is not present in population databases (gnomAD no frequency). This variant has not been reported in the literature in individuals affected with BRCA2-related conditions. Invitae Evidence Modeling of protein sequence and biophysical properties (such as structural, functional, and spatial information, amino acid conservation, physicochemical variation, residue mobility, and thermodynamic stability) indicates that this missense variant is not expected to disrupt BRCA2 protein function with a negative predictive value of 95%. In summary, the available evidence is currently insufficient to determine the role of this variant in disease. Therefore, it has been classified as a Variant of Uncertain Significance.

All of Us Research Program, National Institutes of Health
Classification: Uncertain significance for Breast-ovarian cancer, familial, susceptibility to, 2. Last evaluated: 2024-01-08. Review status: criteria provided, single submitter. Criteria: ACMG Guidelines, 2015. Collection method: clinical testing. Allele origin: germline. Inheritance: Autosomal dominant inheritance. Observed: 1 variant allele, 1 heterozygote.
Comment: This missense variant replaces glycine with cysteine at codon 1552 of the BRCA2 protein. Computational prediction suggests that this variant may not impact protein structure and function (internally defined REVEL score threshold <= 0.5, PMID: 27666373). To our knowledge, functional studies have not been reported for this variant. This variant has not been reported in individuals affected with BRCA2-related disorders in the literature. This variant has not been identified in the general population by the Genome Aggregation Database (gnomAD). The available evidence is insufficient to determine the role of this variant in disease conclusively. Therefore, this variant is classified as a Variant of Uncertain Significance.

This study involves interpretation of variants in research participants for the purpose of population health screening. Participant phenotype was not available at the time of variant classification. Additional details can be found in publication PMID: 35346344, PMCID: PMC8962531

NM_000059.4(BRCA2):c.4654G>T (p.Gly1552Cys)

Gene: BRCA2 (BRCA2 DNA repair associated; plus strand). Cytogenetic location: 13q13.1.
Variant type: single nucleotide variant.
Coding change: c.4654G>T on transcript NM_000059.4 (MANE Select); coding-DNA position 4654, G replaced by T.
Protein change: p.Gly1552Cys; replaces glycine 1552 with cysteine.
Molecular consequence: missense variant. On other transcripts: non-coding transcript variant (1), intron variant (2).
Genome position (GRCh38, 1-based): chr13:32,339,009, G>T. VCF-style: chr13-32339009-G-T. GRCh37 (hg19) VCF-style: chr13-32913146-G-T.
Other names: c.4654G>T, p.Gly1552Cys (NM_001406719.1, NM_001406720.1); c.1910-5549G>T (NM_001406721.1); c.425-5549G>T (NM_001406722.1); short protein forms G1552C.
Identifiers: ClinVar variation 3075310 (VCV003075310.3), dbSNP rs1566230890, ClinGen allele CA387782213.